The following is an entry in ClinVar:

NM_000214.3(JAG1):c.2828C>T (p.Pro943Leu)

Gene: JAG1 (jagged canonical Notch ligand 1; minus strand). Cytogenetic location: 20p12.2.
Variant type: single nucleotide variant.
Coding change: c.2828C>T on transcript NM_000214.3 (MANE Select); coding-DNA position 2828, C replaced by T.
Protein change: p.Pro943Leu; replaces proline 943 with leucine.
Molecular consequence: missense variant.
Genome position (GRCh38, 1-based): chr20:10,641,548, G>A on the plus strand (C>T on the coding strand, the complement: JAG1 is on the minus strand). VCF-style: chr20-10641548-G-A. GRCh37 (hg19) VCF-style: chr20-10622196-G-A.
Other names: short protein forms P943L.
Identifiers: ClinVar variation 1011417 (VCV001011417.14), dbSNP rs767826365, ClinGen allele CA9764385.

ClinVar aggregate classification (germline): Conflicting classifications of pathogenicity. Review status: criteria provided, conflicting classifications (1 of 4 stars). 5 submissions from 5 submitters: Uncertain significance (3); Benign (1); Likely benign (1). Last evaluated 2026-06-30.

Conditions:
Alagille syndrome due to a JAG1 point mutation. Also called: HEPATIC DUCTULAR HYPOPLASIA, SYNDROMATIC; JAG1-Related Alagille Syndrome; Alagille Syndrome 1. Identifiers: Orphanet 261619, Orphanet 52, MedGen C1956125, MONDO:0016862, OMIM 118450.
JAG1-related disorder. Also called: JAG1-related disorders; JAG1-related condition.
Charcot-Marie-Tooth disease, axonal, Type 2HH. Also called: CHARCOT-MARIE-TOOTH NEUROPATHY, TYPE 2HH. Identifiers: MedGen C5562003, MONDO:0030458, OMIM 619574.
Deafness, congenital heart defects, and posterior embryotoxon (DCHE). Identifiers: MedGen C1866053, MONDO:0060713, OMIM 617992.
Tetralogy of Fallot (TOF). Identifiers: Orphanet 3303, MedGen C0039685, MONDO:0008542, OMIM 187500, HP:0001636.
Cardiovascular phenotype. Identifiers: MedGen CN230736.

Allele frequency attached by ClinVar (database versions not stated): ExAC 0.00001; gnomAD exomes 0.00004 and 0.00006; TOPMed 0.00005; gnomAD 0.00007.
gnomAD v4.1: 99 of 1,614,088 alleles (0.0061%); highest among the groups gnomAD compares: East Asian, 0.011%; no homozygotes.

Submissions (5):

PreventionGenetics, part of Exact Sciences
Classification: Uncertain significance for JAG1-related condition. Last evaluated: 2026-06-30. Review status: criteria provided, single submitter. Criteria: ACMG Guidelines, 2015. Collection method: clinical testing. Allele origin: germline.
Comment: The JAG1 c.2828C>T variant is predicted to result in the amino acid substitution p.Pro943Leu. This variant has been reported in the heterozygous state in an individual with neonatal cholestasis; however, the variant was also found in a reportedly healthy parent who declined further clinical investigation (Figure 1, Almes et al. 2023. PubMed ID: 37600608). This variant is reported in 0.0080% of alleles in individuals of African descent in gnomAD. At this time, the clinical significance of this variant is uncertain due to the absence of conclusive functional and genetic evidence.

Labcorp Genetics (formerly Invitae), Labcorp
Classification: Benign for Alagille syndrome due to a JAG1 point mutation. Last evaluated: 2025-06-29. Review status: criteria provided, single submitter. Criteria: Invitae Variant Classification Sherloc (09022015). Collection method: clinical testing. Allele origin: germline.

Ambry Genetics
Classification: Uncertain significance for Cardiovascular phenotype. Last evaluated: 2024-10-27. Review status: criteria provided, single submitter. Criteria: Ambry Variant Classification Scheme 2023. Collection method: clinical testing. Allele origin: germline.
Comment: The p.P943L variant (also known as c.2828C>T), located in coding exon 23 of the JAG1 gene, results from a C to T substitution at nucleotide position 2828. The proline at codon 943 is replaced by leucine, an amino acid with similar properties. This amino acid position is conserved. In addition, this alteration is predicted to be deleterious by in silico analysis. Since supporting evidence is limited at this time, the clinical significance of this alteration remains unclear.

Fulgent Genetics
Classification: Uncertain significance for Alagille syndrome due to a JAG1 point mutation; Tetralogy of Fallot; Deafness, congenital heart defects, and posterior embryotoxon; Charcot-Marie-Tooth disease, axonal, Type 2HH. Last evaluated: 2024-06-25. Review status: criteria provided, single submitter. Criteria: ACMG Guidelines, 2015. Collection method: clinical testing. Allele origin: germline.

Blueprint Genetics
Classification: Likely benign. Last evaluated: 2023-04-12. Review status: criteria provided, single submitter. Criteria: ACMG Guidelines, 2015. Collection method: clinical testing. Allele origin: germline.